The following is an entry in ClinVar:

NM_000238.4(KCNH2):c.2753G>A (p.Ser918Asn)

Gene: KCNH2 (potassium voltage-gated channel subfamily H member 2; minus strand). Cytogenetic location: 7q36.1.
Variant type: single nucleotide variant.
Coding change: c.2753G>A on transcript NM_000238.4 (MANE Select); coding-DNA position 2753, G replaced by A.
Protein change: p.Ser918Asn; replaces serine 918 with asparagine.
Molecular consequence: missense variant.
Genome position (GRCh38, 1-based): chr7:150,947,818, C>T on the plus strand (G>A on the coding strand, the complement: KCNH2 is on the minus strand). VCF-style: chr7-150947818-C-T. GRCh37 (hg19) VCF-style: chr7-150644906-C-T.
Other names: c.1733G>A, p.Ser578Asn (NM_172057.3); short protein forms S578N, S918N.
Identifiers: ClinVar variation 939122 (VCV000939122.14), dbSNP rs1268921735, ClinGen allele CA369853461.
Genomic context (GRCh38, chr7:150,947,818, plus strand): 5'-GGGCTGGAGGGGCCACTGGACGGGCTCTCCCCCCACGGCCCCCCCGGCCGGCCCCGGCTA[C>T]TCGGCCCTGCCCCCGCCCGGCCCGGCCCCAAGGCCGACACCTCCCCTGGCTGCTCCGTGT-3'
Protein context (NP_000229.1, residues 908-928): LGPGRAGAGP[Ser918Asn]SRGRPGGPWG

ClinVar aggregate classification (germline): Uncertain significance. Review status: criteria provided, multiple submitters, no conflicts (2 of 4 stars). 4 submissions from 4 submitters: Uncertain significance (4). Last evaluated 2026-01-23.

Conditions:
Long QT syndrome (LQTS). Identifiers: MedGen C0023976, MeSH D008133, MONDO:0002442. Disease mechanism: loss of function. Inheritance: Various modes of inheritance.
KCNH2-related long QT syndrome.
Cardiovascular phenotype. Identifiers: MedGen CN230736.

Allele frequency attached by ClinVar (database versions not stated): gnomAD 0.00001 and 0.00003; TOPMed 0.00002; gnomAD exomes below 0.00001.
gnomAD v4.1: 6 of 1,528,444 alleles (0.00039%); highest among the groups gnomAD compares: Non-Finnish European, 0.00035%; no homozygotes.

Submissions (4):

Dasa
Classification: Uncertain significance for KCNH2-related long QT syndrome. Last evaluated: 2026-01-23. Review status: criteria provided, single submitter. Criteria: DASA Assertion Criteria. Collection method: clinical testing. Allele origin: germline.
Comment: NM_000238.4(KCNH2):c.2753G>A (p.Ser918Asn) is a missense variant that results in the substitution of serine with asparagine. This variant is rare in population databases. The currently available literature and clinical evidence are not sufficient to establish a definitive association between this variant and the reported condition. Therefore, this variant is classified as a variant of uncertain significance.

Ambry Genetics
Classification: Uncertain significance for Cardiovascular phenotype. Last evaluated: 2025-05-16. Review status: criteria provided, single submitter. Criteria: Ambry Variant Classification Scheme 2023. Collection method: clinical testing. Allele origin: germline.
Comment: The p.S918N variant (also known as c.2753G>A), located in coding exon 12 of the KCNH2 gene, results from a G to A substitution at nucleotide position 2753. The serine at codon 918 is replaced by asparagine, an amino acid with highly similar properties. This amino acid position is well conserved in available vertebrate species. In addition, the in silico prediction for this alteration is inconclusive. Since supporting evidence is limited at this time, the clinical significance of this alteration remains unclear.

Labcorp Genetics (formerly Invitae), Labcorp
Classification: Uncertain significance for Long QT syndrome. Last evaluated: 2024-08-06. Review status: criteria provided, single submitter. Criteria: Invitae Variant Classification Sherloc (09022015). Collection method: clinical testing. Allele origin: germline.
Comment: This sequence change replaces serine, which is neutral and polar, with asparagine, which is neutral and polar, at codon 918 of the KCNH2 protein (p.Ser918Asn). This variant is not present in population databases (gnomAD no frequency). This variant has not been reported in the literature in individuals affected with KCNH2-related conditions. ClinVar contains an entry for this variant (Variation ID: 939122). An algorithm developed to predict the effect of missense changes on protein structure and function (PolyPhen-2) suggests that this variant is likely to be tolerated. In summary, the available evidence is currently insufficient to determine the role of this variant in disease. Therefore, it has been classified as a Variant of Uncertain Significance.

All of Us Research Program, National Institutes of Health
Classification: Uncertain significance for Long QT syndrome. Last evaluated: 2023-04-03. Review status: criteria provided, single submitter. Criteria: ACMG Guidelines, 2015. Collection method: clinical testing. Allele origin: germline. Inheritance: Autosomal dominant inheritance. Observed: 2 variant alleles, 2 heterozygotes.
Comment: This missense variant replaces serine with asparagine at codon 918 of the KCNH2 protein. Computational prediction suggests that this variant may not impact protein structure and function (internally defined REVEL score threshold <= 0.5, PMID: 27666373). To our knowledge, functional studies have not been reported for this variant. This variant has not been reported in individuals affected with KCNH2-related disorders in the literature. This variant has not been identified in the general population by the Genome Aggregation Database (gnomAD). The available evidence is insufficient to determine the role of this variant in disease conclusively. Therefore, this variant is classified as a Variant of Uncertain Significance.

This study involves interpretation of variants in research participants for the purpose of population health screening. Participant phenotype was not available at the time of variant classification. Additional details can be found in publication PMID: 35346344, PMCID: PMC8962531